The following is an entry in ClinVar:

ClinVar aggregate classification (germline): Uncertain significance (1 of 4 stars; one submission).

Conditions:
Anophthalmia-microphthalmia syndrome. Also called: Anophthalmia/Microphthalmia; Anophthalmia - microphthalmia. Identifiers: Orphanet 98555, MedGen C5680330, MONDO:0020147.

Allele frequency attached by ClinVar (database versions not stated): gnomAD 0.00003 and 0.00004; TOPMed 0.00003.
gnomAD v4.1: 12 of 1,614,086 alleles (0.00074%); highest among the groups gnomAD compares: Admixed American, 0.013%; no homozygotes.

Submission:

Labcorp Genetics (formerly Invitae), Labcorp
Classification: Uncertain significance for Anophthalmia-microphthalmia syndrome. Last evaluated: 2021-10-21. Review status: criteria provided, single submitter. Criteria: Invitae Variant Classification Sherloc (09022015). Collection method: clinical testing. Allele origin: germline.
Comment: In summary, the available evidence is currently insufficient to determine the role of this variant in disease. Therefore, it has been classified as a Variant of Uncertain Significance. Algorithms developed to predict the effect of missense changes on protein structure and function are either unavailable or do not agree on the potential impact of this missense change (SIFT: "Deleterious"; PolyPhen-2: "Benign"; Align-GVGD: "Class C55"). This sequence change replaces threonine with asparagine at codon 193 of the OTX2 protein (p.Thr193Asn). The threonine residue is highly conserved and there is a small physicochemical difference between threonine and asparagine. This variant is present in population databases (rs755578825, ExAC 0.006%). This variant has not been reported in the literature in individuals affected with OTX2-related conditions.

NM_021728.4(OTX2):c.602C>A (p.Thr201Asn)

Gene: OTX2 (orthodenticle homeobox 2; minus strand). Cytogenetic location: 14q22.3.
Variant type: single nucleotide variant.
Coding change: c.602C>A on transcript NM_021728.4 (MANE Select); coding-DNA position 602, C replaced by A.
Protein change: p.Thr201Asn; replaces threonine 201 with asparagine.
Molecular consequence: missense variant. On other transcripts: non-coding transcript variant (2).
Genome position (GRCh38, 1-based): chr14:56,802,027, G>T on the plus strand (C>A on the coding strand, the complement: OTX2 is on the minus strand). VCF-style: chr14-56802027-G-T. GRCh37 (hg19) VCF-style: chr14-57268745-G-T.
Other names: c.578C>A, p.Thr193Asn (NM_001270523.2, NM_001270524.2, NM_172337.3); c.602C>A, p.Thr201Asn (NM_001270525.2); short protein forms T193N, T201N.
Identifiers: ClinVar variation 1482522 (VCV001482522.6), dbSNP rs755578825, ClinGen allele CA7200449.